The following is an entry in ClinVar:

ClinVar aggregate classification (germline): Uncertain significance (1 of 4 stars; one submission).

Conditions:
Distal myopathy with posterior leg and anterior hand involvement. Also called: WILLIAMS DISTAL MYOPATHY. Identifiers: Orphanet 63273, MedGen C3279722, MONDO:0013550, OMIM 614065.
Myofibrillar myopathy 5. Also called: Filaminopathy (type); FILAMINOPATHY, AUTOSOMAL DOMINANT. Identifiers: Orphanet 171445, MedGen C1836050, MONDO:0012289, OMIM 609524.
Hypertrophic cardiomyopathy 26. Also called: Cardiomyopathy, familial hypertrophic, 26. Identifiers: Orphanet 75249, MedGen C4310749, MONDO:0014883, OMIM 617047.

Allele frequency attached by ClinVar (database versions not stated): gnomAD exomes 0.00001; TOPMed 0.00001.
gnomAD v4.1: 3 of 1,568,270 alleles (0.00019%); highest among the groups gnomAD compares: Admixed American, 0.0057%; no homozygotes.

Submission:

Labcorp Genetics (formerly Invitae), Labcorp
Classification: Uncertain significance for Distal myopathy with posterior leg and anterior hand involvement; Myofibrillar myopathy 5; Hypertrophic cardiomyopathy 26. Last evaluated: 2025-05-15. Review status: criteria provided, single submitter. Criteria: Invitae Variant Classification Sherloc (09022015). Collection method: clinical testing. Allele origin: germline.
Comment: This sequence change falls in intron 5 of the FLNC gene. It does not directly change the encoded amino acid sequence of the FLNC protein. It affects a nucleotide within the consensus splice site. This variant is present in population databases (no rsID available, gnomAD 0.008%). This variant has not been reported in the literature in individuals affected with FLNC-related conditions. ClinVar contains an entry for this variant (Variation ID: 472190). Variants that disrupt the consensus splice site are a relatively common cause of aberrant splicing (PMID: 17576681, 9536098). Algorithms developed to predict the effect of sequence changes on RNA splicing suggest that this variant is not likely to affect RNA splicing. In summary, the available evidence is currently insufficient to determine the role of this variant in disease. Therefore, it has been classified as a Variant of Uncertain Significance.

Literature cited by the submitters: PubMed 17576681; PubMed 9536098.

NM_001458.5(FLNC):c.969+4T>G

Gene: FLNC (filamin C; plus strand). Cytogenetic location: 7q32.1.
Variant type: single nucleotide variant.
Coding change: c.969+4T>G on transcript NM_001458.5 (MANE Select); 4 bases into the intron after coding-DNA position 969, T replaced by G.
Molecular consequence: intron variant.
Genome position (GRCh38, 1-based): chr7:128,837,759, T>G. VCF-style: chr7-128837759-T-G. GRCh37 (hg19) VCF-style: chr7-128477813-T-G.
Other names: c.969+4T>G (NM_001127487.2).
Identifiers: ClinVar variation 472190 (VCV000472190.9), dbSNP rs953435954, ClinGen allele CA166214537.